The following is an entry in ClinVar:

ClinVar aggregate classification (germline): Uncertain significance. Review status: criteria provided, multiple submitters, no conflicts (2 of 4 stars). 2 submissions from 2 submitters: Uncertain significance (2). Last evaluated 2025-04-09.

Submissions (2):

Labcorp Genetics (formerly Invitae), Labcorp
Classification: Uncertain significance. Last evaluated: 2025-04-09. Review status: criteria provided, single submitter. Criteria: Invitae Variant Classification Sherloc (09022015). Collection method: clinical testing. Allele origin: germline.
Comment: This sequence change replaces glycine, which is neutral and non-polar, with alanine, which is neutral and non-polar, at codon 426 of the COL4A1 protein (p.Gly426Ala). This variant is not present in population databases (gnomAD no frequency). This variant has not been reported in the literature in individuals affected with COL4A1-related conditions. ClinVar contains an entry for this variant (Variation ID: 811443). Invitae Evidence Modeling of protein sequence and biophysical properties (such as structural, functional, and spatial information, amino acid conservation, physicochemical variation, residue mobility, and thermodynamic stability) indicates that this missense variant is not expected to disrupt COL4A1 protein function with a negative predictive value of 95%. In summary, the available evidence is currently insufficient to determine the role of this variant in disease. Therefore, it has been classified as a Variant of Uncertain Significance.

ARUP Laboratories, Molecular Genetics and Genomics, ARUP Laboratories
Classification: Uncertain significance. Last evaluated: 2019-06-21. Review status: criteria provided, single submitter. Criteria: ARUP Molecular Germline Variant Investigation Process. Collection method: clinical testing. Allele origin: germline.

NM_001845.6(COL4A1):c.1277G>C (p.Gly426Ala)

Gene: COL4A1 (collagen type IV alpha 1 chain; minus strand). Cytogenetic location: 13q34.
Variant type: single nucleotide variant.
Coding change: c.1277G>C on transcript NM_001845.6 (MANE Select); coding-DNA position 1277, G replaced by C.
Protein change: p.Gly426Ala; replaces glycine 426 with alanine.
Molecular consequence: missense variant.
Genome position (GRCh38, 1-based): chr13:110,198,475, C>G on the plus strand (G>C on the coding strand, the complement: COL4A1 is on the minus strand). VCF-style: chr13-110198475-C-G. GRCh37 (hg19) VCF-style: chr13-110850822-C-G.
Other names: c.1277G>C, p.Gly426Ala (NM_001303110.2); short protein forms G426A.
Identifiers: ClinVar variation 811443 (VCV000811443.9), dbSNP rs1594572151, ClinGen allele CA388723897.